The following is an entry in ClinVar:

ClinVar aggregate classification (germline): Pathogenic/Likely pathogenic. Review status: criteria provided, multiple submitters, no conflicts (2 of 4 stars). 5 submissions from 4 submitters: Pathogenic (4); Likely pathogenic (1). Last evaluated 2025-05-04.

Conditions:
Ehlers-Danlos syndrome, classic type, 1 (EDSCL1). Also called: EHLERS-DANLOS SYNDROME, GRAVIS TYPE; EHLERS-DANLOS SYNDROME, SEVERE CLASSIC TYPE; EDS I; Ehlers-Danlos Syndrome, Classic Type, COL5A1-Related; Ehlers-Danlos syndrome, type 1. Identifiers: MedGen C0268335, MONDO:0019567, OMIM 130000.
Ehlers-Danlos syndrome, classic type (cEDS). Identifiers: Orphanet 287, MedGen C4225429, MONDO:0007522.

Submissions (5):

Labcorp Genetics (formerly Invitae), Labcorp
Classification: Pathogenic for Ehlers-Danlos syndrome, classic type, 1. Last evaluated: 2025-05-04. Review status: criteria provided, single submitter. Criteria: Invitae Variant Classification Sherloc (09022015). Collection method: clinical testing. Allele origin: germline.
Comment: This sequence change creates a premature translational stop signal (p.Pro1253Serfs*14) in the COL5A1 gene. It is expected to result in an absent or disrupted protein product. Loss-of-function variants in COL5A1 are known to be pathogenic (PMID: 23587214). This variant is not present in population databases (gnomAD no frequency). This variant has not been reported in the literature in individuals affected with COL5A1-related conditions. ClinVar contains an entry for this variant (Variation ID: 459680). For these reasons, this variant has been classified as Pathogenic.

Laboratory of Medical Genetics, National & Kapodistrian University of Athens
Classification: Pathogenic for Ehlers-Danlos syndrome, classic type, 1. Last evaluated: 2024-03-14. Review status: criteria provided, single submitter. Criteria: ACMG Guidelines, 2015. Collection method: clinical testing. Allele origin: germline. Affected: yes.
Comment: PVS1, PM2, PP5 - The variant has been reported in ClinVar as Pathogenic by other laboratories (Variation ID 459680).

Mendelics
Classification: Likely pathogenic for Ehlers-Danlos syndrome, classic type, 1. Last evaluated: 2019-05-28. Review status: criteria provided, single submitter. Criteria: Mendelics Assertion Criteria 2017. Collection method: clinical testing. Allele origin: unknown.

Laboratory of Medical Genetics, National & Kapodistrian University of Athens
Classification: Pathogenic for Ehlers-Danlos syndrome, classic type, 1. Last evaluated: 2018-09-10. Review status: criteria provided, single submitter. Criteria: ACMG Guidelines, 2015. Collection method: clinical testing. Allele origin: de novo. Affected: yes.
Comment: PVS1, PM2, PM4, PP4

GeneDx
Classification: Pathogenic. Last evaluated: 2018-05-07. Review status: criteria provided, single submitter. Criteria: GeneDx Variant Classification (06012015). Collection method: clinical testing. Allele origin: germline. Affected: yes.
Comment: Although the c.3752dupC pathogenic variant in the COL5A1 gene has not been reported to our knowledge, this variant causes a shift in reading frame starting at codon Proline 1253, changing it to a Serine, and creating a premature stop codon at position 14 of the new reading frame, denoted p.Pro1253SerfsX14. This pathogenic variant is expected to result in either an abnormal, truncated protein product or loss of protein from this allele through nonsense-mediated mRNA decay. Multiple other downstream frameshift and nonsense variants in the COL5A1 gene have been reported in Human Gene Mutation Database in association with classical Ehlers-Danlos syndrome (Stenson et al., 2014), supporting that loss of function is a mechanism of disease for this gene. Furthermore, the c.3752dupC variant has not been observed in large population cohorts (Lek et al., 2016). In summary, c.3752dupC in the COL5A1 gene is interpreted as a pathogenic variant.

Literature cited by the submitters: PubMed 23587214 (cited by Labcorp Genetics (formerly Invitae), Labcorp).

NM_000093.5(COL5A1):c.3752dup (p.Pro1253fs)

Gene: COL5A1 (collagen type V alpha 1 chain; plus strand). Cytogenetic location: 9q34.3.
Variant type: Duplication.
Coding change: c.3752dup on transcript NM_000093.5 (MANE Select); coding-DNA position 3752, one base duplicated (C; older notation c.3752dupC).
Protein change: p.Pro1253fs; shifts the reading frame from proline 1253.
Molecular consequence: frameshift variant.
Genome position (GRCh38, 1-based): chr9:134,812,612, C duplicated; the last of 6 consecutive C bases (chr9:134,812,607-134,812,612); duplicating any one gives the same sequence. VCF-style (leftmost placement, unchanged base first): chr9-134812606-G-GC. GRCh37 (hg19) VCF-style: chr9-137704452-G-GC.
Other names: c.3752dupC (NM_000093.4); c.3752dup, p.Pro1253fs (NM_001278074.1); short protein forms P1253fs.
Identifiers: ClinVar variation 459680 (VCV000459680.12), dbSNP rs786205100, ClinGen allele CA591108398.